The following is an entry in ClinVar:

ClinVar aggregate classification (germline): Uncertain significance (1 of 4 stars; one submission).

Submission:

Labcorp Genetics (formerly Invitae), Labcorp
Classification: Uncertain significance. Last evaluated: 2025-06-10. Review status: criteria provided, single submitter. Criteria: Invitae Variant Classification Sherloc (09022015). Collection method: clinical testing. Allele origin: germline.
Comment: This sequence change falls in intron 6 of the PCGF2 gene. It does not directly change the encoded amino acid sequence of the PCGF2 protein. It affects a nucleotide within the consensus splice site. This variant is not present in population databases (gnomAD no frequency). This variant has not been reported in the literature in individuals affected with PCGF2-related conditions. Variants that disrupt the consensus splice site are a relatively common cause of aberrant splicing (PMID: 17576681, 9536098). Algorithms developed to predict the effect of sequence changes on RNA splicing suggest that this variant may disrupt the consensus splice site. In summary, the available evidence is currently insufficient to determine the role of this variant in disease. Therefore, it has been classified as a Variant of Uncertain Significance.

Literature cited by the submitters: PubMed 17576681; PubMed 9536098.

NM_007144.3(PCGF2):c.316+6T>C

Gene: PCGF2 (polycomb group ring finger 2; minus strand). Cytogenetic location: 17q12.
Variant type: single nucleotide variant.
Coding change: c.316+6T>C on transcript NM_007144.3 (MANE Select); 6 bases into the intron after coding-DNA position 316, T replaced by C.
Molecular consequence: intron variant.
Genome position (GRCh38, 1-based): chr17:38,739,062, A>G on the plus strand (T>C on the coding strand, the complement: PCGF2 is on the minus strand). VCF-style: chr17-38739062-A-G. GRCh37 (hg19) VCF-style: chr17-36895315-A-G.
Other names: c.316+6T>C (NM_001369614.1, NM_001369615.1).
Identifiers: ClinVar variation 4713517 (VCV004713517.1).
Genomic context (GRCh38, chr17:38,739,062, plus strand): 5'-AGCGCTACACACCTACATGGTCCCAGGCAAGACTGTGCACACACAAACAGACGCGAGCAC[A>G]CTCACCCTCCGTCAGGGGGTACGCTGCATAGAAATCCCGCCGCCGTTTCATCTCATCTGG-3'